The following is an entry in ClinVar:

ClinVar aggregate classification (germline): Likely benign (1 of 4 stars; one submission).

Submission:

CeGaT Center for Human Genetics Tuebingen
Classification: Likely benign. Last evaluated: 2026-08-01. Review status: criteria provided, single submitter. Criteria: CeGaT Center For Human Genetics Tuebingen Variant Classification Criteria Version 2. Collection method: clinical testing. Allele origin: germline. Affected: yes. Observed: 6 variant alleles.
Comment: PPFIA1: BP4, BP7

NM_003626.5(PPFIA1):c.2328C>T (p.Ser776=)

Gene: PPFIA1 (PPFI scaffold protein A1; plus strand). Cytogenetic location: 11q13.3.
Variant type: single nucleotide variant.
Coding change: c.2328C>T on transcript NM_003626.5 (MANE Select); coding-DNA position 2328, C replaced by T.
Protein change: p.Ser776=; no amino-acid change (serine 776 retained).
Molecular consequence: synonymous variant. On other transcripts: non-coding transcript variant (1).
Genome position (GRCh38, 1-based): chr11:70,355,651, C>T. VCF-style: chr11-70355651-C-T. GRCh37 (hg19) VCF-style: chr11-70201757-C-T.
Other names: c.2433C>T, p.Ser811= (NM_001378006.1); c.2328C>T, p.Ser776= (NM_177423.3).
Identifiers: ClinVar variation 2642056 (VCV002642056.24), dbSNP rs1231048086, ClinGen allele CA475243426.